The following is an entry in ClinVar:

NM_000540.3(RYR1):c.4516G>A (p.Gly1506Ser)

Gene: RYR1 (ryanodine receptor 1; plus strand). Cytogenetic location: 19q13.2.
Variant type: single nucleotide variant.
Coding change: c.4516G>A on transcript NM_000540.3 (MANE Select); coding-DNA position 4516, G replaced by A.
Protein change: p.Gly1506Ser; replaces glycine 1506 with serine.
Molecular consequence: missense variant.
Genome position (GRCh38, 1-based): chr19:38,478,496, G>A. VCF-style: chr19-38478496-G-A. GRCh37 (hg19) VCF-style: chr19-38969136-G-A.
Other names: c.4516G>A, p.Gly1506Ser (NM_001042723.2); short protein forms G1506S.
Identifiers: ClinVar variation 2073526 (VCV002073526.4), dbSNP rs2514184690, ClinGen allele CA405647320.

ClinVar aggregate classification (germline): Uncertain significance (1 of 4 stars; one submission).

Conditions:
RYR1-related disorder. Also called: RYR1-related condition; RYR1-related disorders. Identifiers: MedGen CN239331.

Submission:

Labcorp Genetics (formerly Invitae), Labcorp
Classification: Uncertain significance for RYR1-related disorder. Last evaluated: 2022-01-04. Review status: criteria provided, single submitter. Criteria: Invitae Variant Classification Sherloc (09022015). Collection method: clinical testing. Allele origin: germline.
Comment: In summary, the available evidence is currently insufficient to determine the role of this variant in disease. Therefore, it has been classified as a Variant of Uncertain Significance. Advanced modeling of protein sequence and biophysical properties (such as structural, functional, and spatial information, amino acid conservation, physicochemical variation, residue mobility, and thermodynamic stability) performed at Invitae indicates that this missense variant is not expected to disrupt RYR1 protein function. This variant has not been reported in the literature in individuals affected with RYR1-related conditions. This variant is not present in population databases (gnomAD no frequency). This sequence change replaces glycine, which is neutral and non-polar, with serine, which is neutral and polar, at codon 1506 of the RYR1 protein (p.Gly1506Ser).